The following is an entry in ClinVar:

NM_001278716.2(FBXL4):c.1304G>T (p.Arg435Leu)

Gene: FBXL4 (F-box and leucine rich repeat protein 4; minus strand). Cytogenetic location: 6q16.1.
Variant type: single nucleotide variant.
Coding change: c.1304G>T on transcript NM_001278716.2 (MANE Select); coding-DNA position 1304, G replaced by T.
Protein change: p.Arg435Leu; replaces arginine 435 with leucine.
Molecular consequence: missense variant. On other transcripts: non-coding transcript variant (2).
Genome position (GRCh38, 1-based): chr6:98,899,281, C>A on the plus strand (G>T on the coding strand, the complement: FBXL4 is on the minus strand). VCF-style: chr6-98899281-C-A. GRCh37 (hg19) VCF-style: chr6-99347157-C-A.
Other names: c.1304G>T, p.Arg435Leu (NM_012160.5); short protein forms R435L.
Identifiers: ClinVar variation 437476 (VCV000437476.2), dbSNP rs754142863, ClinGen allele CA16021018.
Genomic context (GRCh38, chr6:98,899,281, plus strand): 5'-AGTTGGCTACCATAATAGCAATGATGAAAATTATGAATTACTCTCACCTCTACTTTTGTT[C>A]GATAGAGAACAAGTCGTTTAAGGCTGCATAACTTGGCAATGTGGTTGAAAGCTTGAGGTG-3'
Protein context (NP_001265645.1, residues 425-445): LCSLKRLVLY[Arg435Leu]TKVEQTALLS

ClinVar aggregate classification (germline): Likely pathogenic. Review status: criteria provided, multiple submitters, no conflicts (2 of 4 stars). 2 submissions from 2 submitters: Likely pathogenic (2). Last evaluated 2024-10-04.

Conditions:
Mitochondrial DNA depletion syndrome 13. Also called: FBXL4-Related Encephalomyopathic Mitochondrial DNA Depletion Syndrome; Mitochondrial DNA depletion syndrome 13 (encephalomyopathic type). Identifiers: Orphanet 369897, MedGen C3809592, MONDO:0014198, OMIM 615471.

gnomAD v4.1: 1 of 1,613,598 alleles (0.000062%); highest among the groups gnomAD compares: South Asian, 0.0011%; no homozygotes.

Submissions (2):

Dubai Health Genomic Medicine Center, Dubai Health
Classification: Likely pathogenic for Mitochondrial DNA depletion syndrome 13 (encephalomyopathic type). Last evaluated: 2024-10-04. Review status: criteria provided, single submitter. Criteria: ACMG Guidelines, 2015. Collection method: research. Allele origin: germline. Affected: yes.
Comment: PM3(moderate),PM2,PP3,PP1,PM5

Wong Mito Lab, Molecular and Human Genetics, Baylor College of Medicine
Classification: Likely pathogenic for Mitochondrial DNA depletion syndrome 13. Last evaluated: 2017-08-10. Review status: criteria provided, single submitter. Criteria: ACMG Guidelines, 2015. Collection method: clinical testing. Allele origin: germline. Affected: yes.
Comment: The NM_012160.4:c.1304G>T (NP_036292.2:p.Arg435Leu) [GRCH38: NC_000006.12:g.98899281C>A] variant in FBXL4 gene is interpretated to be a Likely Pathogenic based on ACMG guidelines (PMID: 25741868). This variant has been reported in PMID:25868664 . This variant meets one or more of the following evidence codes reported in the ACMG-guideline. PM2:This variant is absent in key population databases. PM3:Detected in trans with a pathogenic variant for Mitochondrial DNA depletion syndrome 13 which is a recessive disorder. PP2:This is a missense variant in FBXL4 with a low rate of benign and high rate of pathogenic missense variations. PP3:Computational evidence/predictors indicate the variant has deleterious effect on FBXL4 structure, function, or protein-protein interaction. PP4:Patientâ€™s phenotype or family history is highly specific for FBXL4. PP5:Reputable source(s) suggest that the variant is pathogenic. Based on this evidence code ClinGen Pathogenicity Calculator (PMID:28081714) suggested that the variant is Likely Pathogenic.

Literature cited by the submitters: PubMed 25868664 (cited by Wong Mito Lab, Molecular and Human Genetics, Baylor College of Medicine).